The following is an entry in ClinVar:

ClinVar aggregate classification (germline): Likely pathogenic (1 of 4 stars; one submission).

Conditions:
Tuberous sclerosis 2 (TSC2). Identifiers: Orphanet 805, MedGen C1860707, MONDO:0013199, OMIM 613254.

Submission:

Labcorp Genetics (formerly Invitae), Labcorp
Classification: Likely pathogenic for Tuberous sclerosis 2. Last evaluated: 2016-12-20. Review status: criteria provided, single submitter. Criteria: Invitae Variant Classification Sherloc (09022015). Collection method: clinical testing. Allele origin: germline.
Comment: In summary, this is an in-frame deletion that disrupts an important amino acid residue and protein functional domain. This evidence indicates that the variant is pathogenic, but additional data is needed to prove that conclusively. Therefore, this variant has been classified as Likely Pathogenic. This variant is a gross deletion of the genomic region encompassing exons 11-15 of the TSC2 gene. This leads to an in-frame deletion, preserving the integrity of the reading frame. Deletions of exons 11-15 have not been reported in the literature in individuals with a TSC-related disease. This in-frame deletion (p.Ala326_Lys533del) is expected to completely remove a predicted coiled-coil domain (residues 346-371) within the TSC1 binding domain (T1BD), which is important for proper TSC2 protein function (PMID: 18466115, 11741833, 9580671). Smaller in-frame deletions including p.Ser428del and deletion of exon 11 (also known as exon 10) have been reported in individuals affected with tuberous sclerosis complex, and have been determined to be pathogenic (PMID: 17287951, 11112665, 17304050, 22867869, 21520333), suggesting that this larger deletion may also be deleterious to protein function.

Literature cited by the submitters: PubMed 18466115; PubMed 11741833; PubMed 9580671; PubMed 17287951; PubMed 11112665; PubMed 17304050; PubMed 22867869; PubMed 21520333.

NC_000016.9:g.(?_2110665)_(2113060_?)del

Gene: TSC2 (TSC complex subunit 2; plus strand). Cytogenetic location: 16p13.3.
Variant type: Deletion.
Identifiers: ClinVar variation 1067563 (VCV001067563.5).